The following is an entry in ClinVar:

NM_000455.5(STK11):c.431C>T (p.Pro144Leu)

Gene: STK11 (serine/threonine kinase 11; plus strand). Cytogenetic location: 19p13.3.
Variant type: single nucleotide variant.
Coding change: c.431C>T on transcript NM_000455.5 (MANE Select); coding-DNA position 431, C replaced by T.
Protein change: p.Pro144Leu; replaces proline 144 with leucine.
Molecular consequence: missense variant.
Genome position (GRCh38, 1-based): chr19:1,219,380, C>T. VCF-style: chr19-1219380-C-T. GRCh37 (hg19) VCF-style: chr19-1219379-C-T.
Other names: short protein forms P144L.
Identifiers: ClinVar variation 422535 (VCV000422535.24), dbSNP rs1006375117, ClinGen allele CA16620745.

ClinVar aggregate classification (germline): Uncertain significance. Review status: criteria provided, multiple submitters, no conflicts (2 of 4 stars). 7 submissions from 7 submitters: Uncertain significance (7). Last evaluated 2025-07-14.

Conditions:
Hereditary cancer-predisposing syndrome. Also called: Hereditary neoplastic syndrome; Hereditary Cancer Syndrome; Neoplastic Syndromes, Hereditary; Tumor predisposition. Identifiers: Orphanet 140162, MedGen C0027672, MeSH D009386, MONDO:0015356.
Germ cell tumor of testis (TGCT). Also called: GERM CELL TUMOR, SOMATIC; Testicular germ cell tumor. Identifiers: Orphanet 363504, MedGen C1336708, MONDO:0010108, OMIM 273300.
Peutz-Jeghers syndrome (PJS). Also called: Peutz-Jeghers polyposis; Periorificial lentiginosis syndrome; POLYPOSIS, HAMARTOMATOUS INTESTINAL; POLYPS-AND-SPOTS SYNDROME. Identifiers: Orphanet 2869, MedGen C0031269, MeSH D010580, MONDO:0008280, OMIM 175200.
Melanoma, cutaneous malignant, susceptibility to, 1 (CMM1). Also called: MELANOMA, MALIGNANT; DYSPLASTIC NEVUS SYNDROME, HEREDITARY; FAMILIAL ATYPICAL MOLE-MALIGNANT MELANOMA SYNDROME; B-K MOLE SYNDROME. Identifiers: Orphanet 618, MedGen C1835047, MONDO:0007963, OMIM 155600.
Familial pancreatic carcinoma. Identifiers: Orphanet 1333, MedGen C2931038, MONDO:0015278, OMIM 260350.

Allele frequency attached by ClinVar (database versions not stated): gnomAD 0.00001; gnomAD exomes 0.00001.

Submissions (7):

Labcorp Genetics (formerly Invitae), Labcorp
Classification: Uncertain significance for Peutz-Jeghers syndrome. Last evaluated: 2025-07-14. Review status: criteria provided, single submitter. Criteria: Invitae Variant Classification Sherloc (09022015). Collection method: clinical testing. Allele origin: germline.
Comment: This sequence change replaces proline, which is neutral and non-polar, with leucine, which is neutral and non-polar, at codon 144 of the STK11 protein (p.Pro144Leu). The frequency data for this variant in the population databases is considered unreliable, as metrics indicate poor data quality at this position in the gnomAD database. This variant has not been reported in the literature in individuals affected with STK11-related conditions. ClinVar contains an entry for this variant (Variation ID: 422535). Invitae Evidence Modeling of protein sequence and biophysical properties (such as structural, functional, and spatial information, amino acid conservation, physicochemical variation, residue mobility, and thermodynamic stability) has been performed for this missense variant. However, the output from this modeling did not meet the statistical confidence thresholds required to predict the impact of this variant on STK11 protein function. In summary, the available evidence is currently insufficient to determine the role of this variant in disease. Therefore, it has been classified as a Variant of Uncertain Significance.

Ambry Genetics
Classification: Uncertain significance for Hereditary cancer-predisposing syndrome. Last evaluated: 2024-07-29. Review status: criteria provided, single submitter. Criteria: Ambry Variant Classification Scheme 2023. Collection method: clinical testing. Allele origin: germline.
Comment: The p.P144L variant (also known as c.431C>T), located in coding exon 3 of the STK11 gene, results from a C to T substitution at nucleotide position 431. The proline at codon 144 is replaced by leucine, an amino acid with similar properties. This amino acid position is well conserved in available vertebrate species. In addition, this alteration is predicted to be tolerated by in silico analysis. Since supporting evidence is limited at this time, the clinical significance of this alteration remains unclear.

All of Us Research Program, National Institutes of Health
Classification: Uncertain significance for Peutz-Jeghers syndrome. Last evaluated: 2024-06-11. Review status: criteria provided, single submitter. Criteria: ACMG Guidelines, 2015. Collection method: clinical testing. Allele origin: germline. Inheritance: Autosomal dominant inheritance. Observed: 2 variant alleles, 2 heterozygotes.
Comment: This missense variant replaces proline with leucine at codon 144 of the STK11 protein. Computational prediction suggests that this variant may not impact protein structure and function (internally defined REVEL score threshold <= 0.5, PMID: 27666373). To our knowledge, functional studies have not been reported for this variant. This variant has not been reported in individuals affected with STK11-related disorders in the literature. This variant has been identified in 1/31294 chromosomes in the general population by the Genome Aggregation Database (gnomAD). The available evidence is insufficient to determine the role of this variant in disease conclusively. Therefore, this variant is classified as a Variant of Uncertain Significance.

This study involves interpretation of variants in research participants for the purpose of population health screening. Participant phenotype was not available at the time of variant classification. Additional details can be found in publication PMID: 35346344, PMCID: PMC8962531

Fulgent Genetics
Classification: Uncertain significance for Melanoma, cutaneous malignant, susceptibility to, 1; Peutz-Jeghers syndrome; Familial pancreatic carcinoma; Germ cell tumor of testis. Last evaluated: 2024-05-08. Review status: criteria provided, single submitter. Criteria: ACMG Guidelines, 2015. Collection method: clinical testing. Allele origin: germline.

Color Diagnostics, LLC DBA Color Health
Classification: Uncertain significance for Hereditary cancer-predisposing syndrome. Last evaluated: 2024-03-06. Review status: criteria provided, single submitter. Criteria: ACMG Guidelines, 2015. Collection method: clinical testing. Allele origin: germline.
Comment: This missense variant replaces proline with leucine at codon 144 of the STK11 protein. Computational prediction suggests that this variant may not impact protein structure and function (internally defined REVEL score threshold <= 0.5, PMID: 27666373). To our knowledge, functional studies have not been reported for this variant. This variant has not been reported in individuals affected with STK11-related disorders in the literature. This variant has been identified in 1/31294 chromosomes in the general population by the Genome Aggregation Database (gnomAD). The available evidence is insufficient to determine the role of this variant in disease conclusively. Therefore, this variant is classified as a Variant of Uncertain Significance.

Genome-Nilou Lab
Classification: Uncertain significance for Peutz-Jeghers syndrome. Last evaluated: 2021-07-15. Review status: criteria provided, single submitter. Criteria: ACMG Guidelines, 2015. Collection method: clinical testing. Allele origin: germline. Affected: no.

GeneDx
Classification: Uncertain significance. Last evaluated: 2016-10-17. Review status: criteria provided, single submitter. Criteria: GeneDx Variant Classification (06012015). Collection method: clinical testing. Allele origin: germline. Affected: yes.
Comment: This variant is denoted STK11 c.431C>T at the cDNA level, p.Pro144Leu (P144L) at the protein level, and results in the change of a Proline to a Leucine (CCG>CTG). This variant has not, to our knowledge, been published in the literature as pathogenic or benign. STK11 Pro144Leu was not observed in approximately 6,500 individuals of European and African American ancestry in the NHLBI Exome Sequencing Project, suggesting it is not a common benign variant in these populations. Since Proline and Leucine differ in some properties, this is considered a semi-conservative amino acid substitution. STK11 Pro144Leu occurs at a position that is conserved in mammals and is located in the protein kinase domain and within the site of catalysis (Hearle 2006, UniProt). In silico analyses predict that this variant is probably damaging to protein structure and function. Based on currently available evidence, it is unclear whether STK11 Pro144Leu is a pathogenic or benign variant. We consider it to be a variant of uncertain significance.